The following is an entry in ClinVar:

ClinVar aggregate classification (germline): Uncertain significance (1 of 4 stars; one submission).

Conditions:
Cardiovascular phenotype. Identifiers: MedGen CN230736.

Submission:

Ambry Genetics
Classification: Uncertain significance for Cardiovascular phenotype. Last evaluated: 2023-09-11. Review status: criteria provided, single submitter. Criteria: Ambry Variant Classification Scheme 2023. Collection method: clinical testing. Allele origin: germline.
Comment: The c.2743T>A (p.Y915N) alteration is located in exon 25 (coding exon 25) of the ANK2 gene. This alteration results from a T to A substitution at nucleotide position 2743, causing the tyrosine (Y) at amino acid position 915 to be replaced by an asparagine (N). This variant was not reported in population-based cohorts in the Genome Aggregation Database (gnomAD). This amino acid position is well conserved in available vertebrate species. This alteration is predicted to be tolerated by in silico analysis. Based on insufficient or conflicting evidence, the clinical significance of this alteration remains unclear.

NM_001148.6(ANK2):c.2743T>A (p.Tyr915Asn)

Gene: ANK2 (ankyrin 2; plus strand). Cytogenetic location: 4q26.
Variant type: single nucleotide variant.
Coding change: c.2743T>A on transcript NM_001148.6 (MANE Select); coding-DNA position 2743, T replaced by A.
Protein change: p.Tyr915Asn; replaces tyrosine 915 with asparagine.
Molecular consequence: missense variant.
Genome position (GRCh38, 1-based): chr4:113,317,756, T>A. VCF-style: chr4-113317756-T-A. GRCh37 (hg19) VCF-style: chr4-114238912-T-A.
Other names: c.2680T>A, p.Tyr894Asn (NM_001127493.3, NM_001354243.2, NM_001354255.2 and 3 more transcripts); c.2755T>A, p.Tyr919Asn (NM_001354225.2); c.2743T>A, p.Tyr915Asn (NM_001354228.2, NM_001354232.2, NM_001354258.2 and 1 more transcripts); c.2785T>A, p.Tyr929Asn (NM_001354230.2, NM_001354231.2, NM_001354237.2 and 1 more transcripts); c.2740T>A, p.Tyr914Asn (NM_001354235.2, NM_001354236.2, NM_001354246.2 and 1 more transcripts); c.2677T>A, p.Tyr893Asn (NM_001354239.2, NM_001354244.2, NM_001354252.2 and 3 more transcripts); c.2788T>A, p.Tyr930Asn (NM_001354240.2, NM_001354241.2, NM_001386144.1); c.2644T>A, p.Tyr882Asn (NM_001354245.2, NM_001354268.2); and 17 more; short protein forms Y124N, Y861N, Y894N, Y898N, Y929N, Y950N, Y820N, Y844N.
Identifiers: ClinVar variation 2617891 (VCV002617891.2), dbSNP rs2153836432, ClinGen allele CA357930611.
Genomic context (GRCh38, chr4:113,317,756, plus strand): 5'-CAACCTACCAGCCTTCGATCCTTCAGTTCCGACAGGTCTCACACTCTGAGCCATGCCTCC[T>A]ACCTGAGGGACAGTGCCGTGATGGATGACTCAGTTGTGATTCCCAGTCACCAGGTATGTG-3'
Protein context (NP_001139.3, residues 905-925): DRSHTLSHAS[Tyr915Asn]LRDSAVMDDS